The following is an entry in ClinVar:

ClinVar aggregate classification (germline): Likely benign (1 of 4 stars; one submission).

Submission:

Molecular Diagnostic Laboratory for Inherited Cardiovascular Disease, Montreal Heart Institute
Classification: Likely benign. Last evaluated: 2025-04-09. Review status: criteria provided, single submitter. Criteria: ACMG Guidelines, 2015. Collection method: clinical testing. Allele origin: germline. Affected: no.
Comment: BP1

NM_001267550.2(TTN):c.34531G>C (p.Ala11511Pro)

Gene: TTN (titin; minus strand). Cytogenetic location: 2q31.2.
Variant type: single nucleotide variant.
Coding change: c.34531G>C on transcript NM_001267550.2 (MANE Select); coding-DNA position 34531, G replaced by C.
Protein change: p.Ala11511Pro; replaces alanine 11511 with proline.
Molecular consequence: missense variant. On other transcripts: intron variant (5).
Genome position (GRCh38, 1-based): chr2:178,675,677, C>G on the plus strand (G>C on the coding strand, the complement: TTN is on the minus strand). VCF-style: chr2-178675677-C-G. GRCh37 (hg19) VCF-style: chr2-179540404-C-G.
Other names: c.13283-33360G>C (NM_003319.4); c.13859-33360G>C (NM_133437.4); c.13658-33360G>C (NM_133432.3); c.30634+244G>C (NM_133378.4); c.33415+244G>C (NM_001256850.1); short protein forms A11511P.
Identifiers: ClinVar variation 3894795 (VCV003894795.1).